The following is an entry in ClinVar:

NM_002880.4(RAF1):c.*10C>T

Gene: RAF1 (Raf-1 proto-oncogene, serine/threonine kinase; minus strand). Cytogenetic location: 3p25.2.
Variant type: single nucleotide variant.
Coding change: c.*10C>T on transcript NM_002880.4 (MANE Select); 10 bases downstream of the stop codon, C replaced by T.
Molecular consequence: 3 prime UTR variant. On other transcripts: non-coding transcript variant (3).
Genome position (GRCh38, 1-based): chr3:12,584,504, G>A on the plus strand (C>T on the coding strand, the complement: RAF1 is on the minus strand). VCF-style: chr3-12584504-G-A. GRCh37 (hg19) VCF-style: chr3-12626003-G-A.
Other names: c.*10C>T (NM_001354689.3, NM_001354690.3, NM_001354691.3 and 4 more transcripts).
Identifiers: ClinVar variation 4536634 (VCV004536634.1).

ClinVar aggregate classification (germline): Uncertain significance (1 of 4 stars; one submission).

gnomAD v4.1: 1 of 1,614,186 alleles (0.000062%); highest among the groups gnomAD compares: East Asian, 0.0022%; no homozygotes.

Submission:

Women's Health and Genetics/Laboratory Corporation of America, LabCorp
Classification: Uncertain significance. Last evaluated: 2025-11-28. Review status: criteria provided, single submitter. Criteria: LabCorp Variant Classification Summary - May 2015. Collection method: clinical testing. Allele origin: germline.
Comment: Variant summary: RAF1 c.*10C>T is located in the untranslated mRNA region downstream of the termination codon. The variant allele was found at a frequency of 4e-06 in 251192 control chromosomes. The available data on variant occurrences in the general population are insufficient to allow any conclusion about variant significance. To our knowledge, no occurrence of c.*10C>T in individuals affected with RAF1-related conditions and no experimental evidence demonstrating its impact on protein function have been reported. No submitters have cited clinical-significance assessments for this variant to ClinVar. Based on the evidence outlined above, the variant was classified as uncertain significance.